The following is an entry in ClinVar:

NM_001330588.2(TPP2):c.3144G>A (p.Lys1048=)

Gene: TPP2 (tripeptidyl peptidase 2; plus strand). Cytogenetic location: 13q33.1.
Variant type: single nucleotide variant.
Coding change: c.3144G>A on transcript NM_001330588.2 (MANE Select); coding-DNA position 3144, G replaced by A.
Protein change: p.Lys1048=; no amino-acid change (lysine 1048 retained).
Molecular consequence: synonymous variant. On other transcripts: non-coding transcript variant (1).
Genome position (GRCh38, 1-based): chr13:102,663,648, G>A. VCF-style: chr13-102663648-G-A. GRCh37 (hg19) VCF-style: chr13-103315998-G-A.
Other names: c.3105G>A, p.Lys1035= (NM_001367947.1, NM_003291.4).
Identifiers: ClinVar variation 1349891 (VCV001349891.6), dbSNP rs181561526, ClinGen allele CA255174937.

ClinVar aggregate classification (germline): Uncertain significance (1 of 4 stars; one submission).

Conditions:
Evans syndrome, immunodeficiency, and premature immunosenescence associated with tripeptidyl-peptidase II deficiency. Identifiers: MedGen CN231723. Disease mechanism: loss of function.

Allele frequency attached by ClinVar (database versions not stated): gnomAD exomes below 0.00001; gnomAD 0.00001; 1000 Genomes Project 30x 0.00016; 1000 Genomes Project 0.00020.
gnomAD v4.1: 3 of 1,593,694 alleles (0.00019%); highest among the groups gnomAD compares: Admixed American, 0.0035%; no homozygotes.

Submission:

Labcorp Genetics (formerly Invitae), Labcorp
Classification: Uncertain significance for Evans syndrome, immunodeficiency, and premature immunosenescence associated with tripeptidyl-peptidase II deficiency. Last evaluated: 2025-06-27. Review status: criteria provided, single submitter. Criteria: Invitae Variant Classification Sherloc (09022015). Collection method: clinical testing. Allele origin: germline.
Comment: This sequence change affects codon 1035 of the TPP2 mRNA. It is a 'silent' change, meaning that it does not change the encoded amino acid sequence of the TPP2 protein. It affects a nucleotide within the consensus splice site. This variant is not present in population databases (gnomAD no frequency). This variant has not been reported in the literature in individuals affected with TPP2-related conditions. ClinVar contains an entry for this variant (Variation ID: 1349891). Algorithms developed to predict the effect of sequence changes on RNA splicing suggest that this variant is not likely to affect RNA splicing. In summary, the available evidence is currently insufficient to determine the role of this variant in disease. Therefore, it has been classified as a Variant of Uncertain Significance.